The following is an entry in ClinVar:

ClinVar aggregate classification (germline): Uncertain significance. Review status: criteria provided, multiple submitters, no conflicts (2 of 4 stars). 2 submissions from 2 submitters: Uncertain significance (2). Last evaluated 2025-05-28.

Conditions:
Inborn genetic diseases. Identifiers: MedGen C0950123, MeSH D030342.
Hereditary spastic paraplegia 28. Also called: Spastic paraplegia 28, autosomal recessive. Identifiers: Orphanet 101008, MedGen C1836295, MONDO:0012256, OMIM 609340.

Allele frequency attached by ClinVar (database versions not stated): TOPMed 0.00001.
gnomAD v4.1: 4 of 1,613,046 alleles (0.00025%); highest among the groups gnomAD compares: East Asian, 0.0045%; no homozygotes.

Submissions (2):

Ambry Genetics
Classification: Uncertain significance for Inborn genetic diseases. Last evaluated: 2025-05-28. Review status: criteria provided, single submitter. Criteria: Ambry Variant Classification Scheme 2023. Collection method: clinical testing. Allele origin: germline.

Labcorp Genetics (formerly Invitae), Labcorp
Classification: Uncertain significance for Hereditary spastic paraplegia 28. Last evaluated: 2022-02-08. Review status: criteria provided, single submitter. Criteria: Invitae Variant Classification Sherloc (09022015). Collection method: clinical testing. Allele origin: germline.
Comment: This sequence change replaces arginine, which is basic and polar, with tryptophan, which is neutral and slightly polar, at codon 204 of the DDHD1 protein (p.Arg204Trp). This variant is present in population databases (no rsID available, gnomAD 0.01%). This variant has not been reported in the literature in individuals affected with DDHD1-related conditions. Algorithms developed to predict the effect of missense changes on protein structure and function are either unavailable or do not agree on the potential impact of this missense change (SIFT: "Deleterious"; PolyPhen-2: "Benign"; Align-GVGD: "Class C0"). In summary, the available evidence is currently insufficient to determine the role of this variant in disease. Therefore, it has been classified as a Variant of Uncertain Significance.

NM_001160148.2(DDHD1):c.610C>T (p.Arg204Trp)

Gene: DDHD1 (DDHD domain containing 1; minus strand). Cytogenetic location: 14q22.1.
Variant type: single nucleotide variant.
Coding change: c.610C>T on transcript NM_001160148.2 (MANE Select); coding-DNA position 610, C replaced by T.
Protein change: p.Arg204Trp; replaces arginine 204 with tryptophan.
Molecular consequence: missense variant.
Genome position (GRCh38, 1-based): chr14:53,152,489, G>A on the plus strand (C>T on the coding strand, the complement: DDHD1 is on the minus strand). VCF-style: chr14-53152489-G-A. GRCh37 (hg19) VCF-style: chr14-53619207-G-A.
Other names: c.610C>T, p.Arg204Trp (NM_001160147.2, NM_030637.3); c.610C>T (NM_001160148.1); short protein forms R204W.
Identifiers: ClinVar variation 2094123 (VCV002094123.2), dbSNP rs1303476683, ClinGen allele CA389780371.
Genomic context (GRCh38, chr14:53,152,489, plus strand): 5'-TGGAGGCTGGGCCCGTGGGGGAGCACACATGGTCGCCGTCCCGGTCCCCGCCCTGGGGCC[G>A]GGCACCCGTGGTCTGCAGCAGGGTCCGGAAGGCGAGCTCGATGCGGAGCGAGTCGTAGCC-3'
Protein context (NP_001153620.1, residues 194-214): FRTLLQTTGA[Arg204Trp]PQGGDRDGDH